The following is an entry in ClinVar:

NM_000038.6(APC):c.-18-251G>A

Gene: APC (APC regulator of WNT signaling pathway; plus strand). Cytogenetic location: 5q22.2.
Variant type: single nucleotide variant.
Coding change: c.-18-251G>A on transcript NM_000038.6 (MANE Select); 251 bases into the intron before 18 bases upstream of the start codon, G replaced by A.
Molecular consequence: intron variant.
Genome position (GRCh38, 1-based): chr5:112,754,622, G>A. VCF-style: chr5-112754622-G-A. GRCh37 (hg19) VCF-style: chr5-112090319-G-A.
Other names: c.-18-251G>A (NM_001354895.2, NM_001127510.3, NM_001354896.2 and 2 more transcripts); c.166-11704G>A (NM_001354897.2, NM_001354902.2, NM_001127511.3); c.61-11704G>A (NM_001354898.2, NM_001354904.2); c.-1053-251G>A (NM_001354906.2); c.-42-11704G>A (NM_001354900.2, NM_001354901.2, NM_001354905.2).
Identifiers: ClinVar variation 82816 (VCV000082816.2), dbSNP rs78038307, ClinGen allele CA006051.

ClinVar aggregate classification (germline): other (0 of 4 stars; one submission).

Conditions:
Familial colorectal cancer. Identifiers: MedGen CN280943, MONDO:0023113. Disease mechanism: loss of function.

Submission:

Systems Biology Platform Zhejiang California International NanoSystems Institute
Classification: other for Familial colorectal cancer. Review status: no assertion criteria provided. Collection method: not provided. Allele origin: unknown.
ClinVar note: Converted during submission from cancer to other.